The following is an entry in ClinVar:

ClinVar aggregate classification (germline): Conflicting classifications of pathogenicity. Review status: criteria provided, conflicting classifications (1 of 4 stars). 3 submissions from 3 submitters: Uncertain significance (1); Likely benign (1). 1 of the submissions does not count toward it. Last evaluated 2024-11-26.

Conditions:
PKD1-related disorder. Also called: PKD1-related condition.
Inborn genetic diseases. Identifiers: MedGen C0950123, MeSH D030342.
Polycystic kidney disease, adult type (PKD1). Also called: Polycystic Kidney, Autosomal Dominant; POLYCYSTIC KIDNEY DISEASE 1 WITH OR WITHOUT POLYCYSTIC LIVER DISEASE; Polycystic Kidney Disease 1, Autosomal Dominant; Polycystic kidney disease 1; Polycystic kidney disease 1, severe; POLYCYSTIC KIDNEY DISEASE, ADULT, TYPE I. Identifiers: MedGen C3149841, MONDO:0008263, OMIM 173900.

Allele frequency attached by ClinVar (database versions not stated): TOPMed 0.00002; ExAC 0.00003; gnomAD 0.00003.
gnomAD v4.1: 39 of 1,612,458 alleles (0.0024%); highest among the groups gnomAD compares: Admixed American, 0.01%; no homozygotes.

Submissions (3):

Ambry Genetics
Classification: Likely benign for Inborn genetic diseases. Last evaluated: 2024-11-26. Review status: criteria provided, single submitter. Criteria: Ambry Variant Classification Scheme 2023. Collection method: clinical testing. Allele origin: germline.

Fulgent Genetics
Classification: Uncertain significance for Polycystic kidney disease, adult type. Last evaluated: 2024-06-12. Review status: criteria provided, single submitter. Criteria: ACMG Guidelines, 2015. Collection method: clinical testing. Allele origin: germline.

PreventionGenetics, part of Exact Sciences
Classification: Likely benign for PKD1-related condition. Last evaluated: 2022-04-24. Review status: no assertion criteria provided. Collection method: clinical testing. Allele origin: germline. Not counted in ClinVar's aggregate classification.
Comment: This variant is classified as likely benign based on ACMG/AMP sequence variant interpretation guidelines (Richards et al. 2015 PMID: 25741868, with internal and published modifications).

NM_001009944.3(PKD1):c.12039C>T (p.Ser4013=)

Gene: PKD1 (polycystin 1, transient receptor potential channel interacting; minus strand). Cytogenetic location: 16p13.3.
Variant type: single nucleotide variant.
Coding change: c.12039C>T on transcript NM_001009944.3 (MANE Select); coding-DNA position 12039, C replaced by T.
Protein change: p.Ser4013=; no amino-acid change (serine 4013 retained).
Molecular consequence: synonymous variant.
Genome position (GRCh38, 1-based): chr16:2,090,773, G>A on the plus strand (C>T on the coding strand, the complement: PKD1 is on the minus strand). VCF-style: chr16-2090773-G-A. GRCh37 (hg19) VCF-style: chr16-2140774-G-A.
Other names: c.12036C>T (NM_000296.3); c.12036C>T, p.Ser4012= (NM_000296.4).
Identifiers: ClinVar variation 3047365 (VCV003047365.4), dbSNP rs200796474, ClinGen allele CA7828864.
Genomic context (GRCh38, chr16:2,090,773, plus strand): 5'-CAGGCCCAAGGTGACCCCCAGGAGCTCTGGCAGAGCTCGGCATAATGTCTTGCCAAAGAC[G>A]GACCACTGGCGCACGAAGCGTAGCTGCTGGGCAGCCTGCGGACGAGAAATCTGTCTGCTT-3'
Protein context (NP_001009944.3, residues 4003-4023): AQQLRFVRQW[Ser4013=]VFGKTLCRAL